The following is an entry in ClinVar:

ClinVar aggregate classification (germline): Uncertain significance (1 of 4 stars; one submission).

Allele frequency attached by ClinVar (database versions not stated): gnomAD exomes below 0.00001.
gnomAD v4.1: 1 of 1,614,108 alleles (0.000062%); highest among the groups gnomAD compares: Non-Finnish European, 0.000085%; no homozygotes.

Submission:

CeGaT Center for Human Genetics Tuebingen
Classification: Uncertain significance. Last evaluated: 2024-04-01. Review status: criteria provided, single submitter. Criteria: CeGaT Center For Human Genetics Tuebingen Variant Classification Criteria Version 2. Collection method: clinical testing. Allele origin: germline. Affected: yes. Observed: 1 variant allele.
Comment: LAMA1: PM2, PP3

NM_005559.4(LAMA1):c.310T>G (p.Tyr104Asp)

Gene: LAMA1 (laminin subunit alpha 1; minus strand). Cytogenetic location: 18p11.31.
Variant type: single nucleotide variant.
Coding change: c.310T>G on transcript NM_005559.4 (MANE Select); coding-DNA position 310, T replaced by G.
Protein change: p.Tyr104Asp; replaces tyrosine 104 with aspartic acid.
Molecular consequence: missense variant.
Genome position (GRCh38, 1-based): chr18:7,080,010, A>C on the plus strand (T>G on the coding strand, the complement: LAMA1 is on the minus strand). VCF-style: chr18-7080010-A-C. GRCh37 (hg19) VCF-style: chr18-7080009-A-C.
Other names: short protein forms Y104D.
Identifiers: ClinVar variation 3234782 (VCV003234782.20), dbSNP rs2510109553, ClinGen allele CA401848614.
Genomic context (GRCh38, chr18:7,080,010, plus strand): 5'-CTTCAATGGTTCTGGGCTCACCTACCTGTCTTAAGTCCAGAGTGATTGTGACCCAGTGAT[A>C]TTCTCTCCCATTCTGAATGCTGGGACTTTGCCACCAGTTATTGGTGCCATCTATGGCATG-3'
Protein context (NP_005550.2, residues 94-114): QSPSIQNGRE[Tyr104Asp]HWVTITLDLR